The following is an entry in ClinVar:

ClinVar aggregate classification (germline): Uncertain significance (1 of 4 stars; one submission).

gnomAD v4.1: 10 of 1,606,668 alleles (0.00062%); highest among the groups gnomAD compares: Non-Finnish European, 0.00085%; no homozygotes.

Submission:

Ambry Genetics
Classification: Uncertain significance. Last evaluated: 2025-01-05. Review status: criteria provided, single submitter. Criteria: Ambry Variant Classification Scheme 2023. Collection method: clinical testing. Allele origin: germline.
Comment: The p.T245K variant (also known as c.734C>A), located in coding exon 5 of the ATRIP gene, results from a C to A substitution at nucleotide position 734. The threonine at codon 245 is replaced by lysine, an amino acid with similar properties. This amino acid position is conserved. In addition, this alteration is predicted to be tolerated by in silico analysis. Based on the available evidence, the clinical significance of this variant remains unclear.

NM_130384.3(ATRIP):c.734C>A (p.Thr245Lys)

Genes: ATRIP (ATR interacting protein; plus strand), ATRIP-TREX1 (ATRIP-TREX1 readthrough; plus strand). Cytogenetic location: 3p21.31.
Variant type: single nucleotide variant.
Coding change: c.734C>A on transcript NM_130384.3 (MANE Select); coding-DNA position 734, C replaced by A.
Protein change: p.Thr245Lys; replaces threonine 245 with lysine.
Molecular consequence: missense variant. On other transcripts: non-coding transcript variant (1).
Genome position (GRCh38, 1-based): chr3:48,457,321, C>A. VCF-style: chr3-48457321-C-A. GRCh37 (hg19) VCF-style: chr3-48498721-C-A.
Other names: c.353C>A, p.Thr118Lys (NM_001271022.2); c.455C>A, p.Thr152Lys (NM_001271023.2); c.734C>A, p.Thr245Lys (NM_032166.4); short protein forms T245K, T118K, T152K.
Identifiers: ClinVar variation 3809602 (VCV003809602.1).